The following is an entry in ClinVar:

NM_206933.4(USH2A):c.8188C>A (p.Pro2730Thr)

Gene: USH2A (usherin; minus strand). Cytogenetic location: 1q41.
Variant type: single nucleotide variant.
Coding change: c.8188C>A on transcript NM_206933.4 (MANE Select); coding-DNA position 8188, C replaced by A.
Protein change: p.Pro2730Thr; replaces proline 2730 with threonine.
Molecular consequence: missense variant.
Genome position (GRCh38, 1-based): chr1:215,888,461, G>T on the plus strand (C>A on the coding strand, the complement: USH2A is on the minus strand). VCF-style: chr1-215888461-G-T. GRCh37 (hg19) VCF-style: chr1-216061803-G-T.
Other names: short protein forms P2730T.
Identifiers: ClinVar variation 965947 (VCV000965947.7), dbSNP rs768532694, ClinGen allele CA1394667.
Genomic context (GRCh38, chr1:215,888,461, plus strand): 5'-GGAGAGAGAATAGTCAGTATCTTACCTGGACTGCATCGGGTTCCAGCACTGTCACCACAG[G>T]TGGCTGCACCCCAGCAGGTCGTGAGGGTCTTGTGGTAACTTCTACCCAAGCACTGCTGTT-3'
Protein context (NP_996816.3, residues 2720-2740): RPSRPAGVQP[Pro2730Thr]VVTVLEPDAV

ClinVar aggregate classification (germline): Uncertain significance. Review status: criteria provided, multiple submitters, no conflicts (2 of 4 stars). 3 submissions from 3 submitters: Uncertain significance (2). 1 of the submissions does not count toward it. Last evaluated 2023-12-07.

Conditions:
Usher syndrome type 2A. Also called: RETINAL DISEASE IN USHER SYNDROME TYPE IIA, MODIFIER OF; USHER SYNDROME, TYPE IIA. Identifiers: Orphanet 231178, Orphanet 886, MedGen C1848634, MONDO:0010169, OMIM 276901.

Allele frequency attached by ClinVar (database versions not stated): gnomAD 0.00002.
gnomAD v4.1: 8 of 1,613,632 alleles (0.0005%); highest among the groups gnomAD compares: Admixed American, 0.013%; no homozygotes.

Submissions (3):

Labcorp Genetics (formerly Invitae), Labcorp
Classification: Uncertain significance. Last evaluated: 2023-12-07. Review status: criteria provided, single submitter. Criteria: Invitae Variant Classification Sherloc (09022015). Collection method: clinical testing. Allele origin: germline.
Comment: This sequence change replaces proline, which is neutral and non-polar, with threonine, which is neutral and polar, at codon 2730 of the USH2A protein (p.Pro2730Thr). This variant is present in population databases (rs768532694, gnomAD 0.02%). This variant has not been reported in the literature in individuals affected with USH2A-related conditions. ClinVar contains an entry for this variant (Variation ID: 965947). Advanced modeling of protein sequence and biophysical properties (such as structural, functional, and spatial information, amino acid conservation, physicochemical variation, residue mobility, and thermodynamic stability) has been performed at Invitae for this missense variant, however the output from this modeling did not meet the statistical confidence thresholds required to predict the impact of this variant on USH2A protein function. In summary, the available evidence is currently insufficient to determine the role of this variant in disease. Therefore, it has been classified as a Variant of Uncertain Significance.

Blueprint Genetics
Classification: Uncertain significance. Last evaluated: 2019-02-19. Review status: criteria provided, single submitter. Criteria: ACMG Guidelines, 2015. Collection method: clinical testing. Allele origin: germline.

Natera, Inc.
Classification: Uncertain significance for Usher syndrome type 2A. Last evaluated: 2021-05-26. Review status: no assertion criteria provided. Collection method: clinical testing. Allele origin: germline. Not counted in ClinVar's aggregate classification.